The following is an entry in ClinVar:

NM_001004019.2(FBLN2):c.1534A>T (p.Ile512Phe)

Gene: FBLN2 (fibulin 2; plus strand). Cytogenetic location: 3p25.1.
Variant type: single nucleotide variant.
Coding change: c.1534A>T on transcript NM_001004019.2 (MANE Select); coding-DNA position 1534, A replaced by T.
Protein change: p.Ile512Phe; replaces isoleucine 512 with phenylalanine.
Molecular consequence: missense variant.
Genome position (GRCh38, 1-based): chr3:13,609,628, A>T. VCF-style: chr3-13609628-A-T. GRCh37 (hg19) VCF-style: chr3-13651128-A-T.
Other names: c.1534A>T, p.Ile512Phe (NM_001165035.2, NM_001998.3); short protein forms I512F.
Identifiers: ClinVar variation 4280094 (VCV004280094.1).

ClinVar aggregate classification (germline): Uncertain significance (1 of 4 stars; one submission).

Conditions:
Erythrocytosis, familial, 4 (ECYT4). Identifiers: Orphanet 247511, MedGen C2673187, MONDO:0012729, OMIM 611783.

gnomAD v4.1: 21 of 1,366,152 alleles (0.0015%); highest among the groups gnomAD compares: Non-Finnish European, 0.0019%; no homozygotes.

Submission:

Johns Hopkins Genomics, Johns Hopkins University
Classification: Uncertain significance for Erythrocytosis, familial, 4. Last evaluated: 2025-06-11. Review status: criteria provided, single submitter. Criteria: ACMG Guidelines, 2015. Collection method: clinical testing. Allele origin: germline.
Comment: This FBLN2 variant (rs1259034723) is rare (<0.1%) in a large population dataset (gnomADv4.1.0: 21/1366152 total alleles; 0.0015%; no homozygotes). It has not been reported in ClinVar nor the literature to our knowledge. Three bioinformatic tools queried predict that this substitution would be tolerated and the isoleucine residue at this position is not evolutionarily conserved across the species assessed. Due to the unconfirmed relationship between FBLN2 variants and pulmonary arterial hypertension, we consider the clinical significance of FBLN2 c.1534A>T to be uncertain at this time.